The following is an entry in ClinVar:

NM_006005.3(WFS1):c.409_424dup (p.Val142fs)

Gene: WFS1 (wolframin ER transmembrane glycoprotein; plus strand). Cytogenetic location: 4p16.1.
Variant type: Duplication.
Coding change: c.409_424dup on transcript NM_006005.3 (MANE Select); coding-DNA positions 409 to 424, 16 bases duplicated (GGCCGTCGCGAGGCTG).
Protein change: p.Val142fs; shifts the reading frame from valine 142.
Molecular consequence: frameshift variant.
Genome position (GRCh38, 1-based): chr4:6,289,080-6,289,095, GGCCGTCGCGAGGCTG duplicated; duplicating any 16 consecutive bases within chr4:6,289,079-6,289,095 gives the same sequence; the c. name uses the placement nearest the transcript's 3' end. VCF-style (leftmost placement, unchanged base first): chr4-6289078-A-AGGGCCGTCGCGAGGCT. GRCh37 (hg19) VCF-style: chr4-6290805-A-AGGGCCGTCGCGAGGCT.
Other names: c.409_424dup16 (NM_006005.3); c.409_424dupGGCCGTCGCGAGGCTG (NM_006005.3); c.409_424dup, p.Val142fs (NM_001145853.1); short protein forms V142fs.
Identifiers: ClinVar variation 4519 (VCV000004519.33), dbSNP rs1362648752, ClinGen allele CA253196.

ClinVar aggregate classification (germline): Pathogenic/Likely pathogenic. Review status: criteria provided, multiple submitters, no conflicts (2 of 4 stars). 15 submissions from 15 submitters: Pathogenic (13); Likely pathogenic (1). 1 of the submissions does not count toward it. Last evaluated 2026-09-10.

Conditions:
WFS1-related disorder. Identifiers: MedGen CN379391, MONDO:0700293.
WFS1-Related Spectrum Disorders.
Retinal dystrophy. Also called: Inherited retinal dystrophy. Identifiers: Orphanet 71862, MedGen C0854723, MeSH D058499, MONDO:0019118, HP:0000556.
Wolfram syndrome. Also called: DIDMOAD (Diabetes Insipidus, Diabetes Mellitus, Optic Atrophy, and Deafness); Diabetes mellitus AND insipidus with optic atrophy AND deafness. Identifiers: Orphanet 3463, MedGen C0043207, MONDO:0018105.
Wolfram-like syndrome. Also called: HEARING LOSS, PROGRESSIVE, WITH OPTIC ATROPHY AND/OR IMPAIRED GLUCOSE REGULATION. Identifiers: Orphanet 411590, MedGen C3280358, MONDO:0013673, OMIM 614296.
Cataract 41 (CTRCT41). Also called: CATARACT 41, CONGENITAL NUCLEAR TYPE. Identifiers: Orphanet 91492, Orphanet 98991, Orphanet 98992, Orphanet 98995, MedGen C3805412, MONDO:0007287, OMIM 116400.
Type 2 diabetes mellitus. Also called: Type II diabetes mellitus. Identifiers: MedGen C0011860, MeSH D003924, MONDO:0005148, OMIM 125853, HP:0005978.
Autosomal dominant nonsyndromic hearing loss 6 (LFSNHL). Also called: Autosomal dominant nonsyndromic deafness 6; DEAFNESS, AUTOSOMAL DOMINANT 14; DEAFNESS, AUTOSOMAL DOMINANT 38; DEAFNESS, AUTOSOMAL DOMINANT 6. Identifiers: Orphanet 90635, MedGen C1833021, MONDO:0010963, OMIM 600965.
Wolfram syndrome 1 (WFS1). Identifiers: Orphanet 3463, MedGen C4551693, MONDO:0009101, OMIM 222300.

Submissions (15):

PreventionGenetics, part of Exact Sciences
Classification: Pathogenic for WFS1-related condition. Last evaluated: 2026-09-10. Review status: criteria provided, single submitter. Criteria: ACMG Guidelines, 2015. Collection method: clinical testing. Allele origin: germline.
Comment: The WFS1 c.409_424dup16 variant is predicted to result in a frameshift and premature protein termination (p.Val142Glyfs*110). This variant, also described as "425ins16" in the literature, is considered a Spanish founder mutation and has been reported in the homozygous and compound heterozygous states to segregate with disease in multiple unrelated families with Wolfram syndrome (Gomez-Zaera et al. 2001. PubMed ID: 11161832; Domènech et al. 2004. PubMed ID: 15151504; Chaussenot et al. 2011. PubMed ID: 21446023; La Morgia et al. 2020. PubMed ID: 32179840). This variant has also been reported in multiple optic atrophy/optic neuropathy cohorts (Table S1, Majander et al. 2016. PubMed ID: 26875006; Table S1, Zanolli et al. 2020. PubMed ID: 32141364; Table S2, Charif et al. 2021. PubMed ID: 33841295). This variant is reported in 0.013% of alleles in individuals of Latino descent in gnomAD. Frameshift variants in WFS1 are expected to be pathogenic. This variant is interpreted as pathogenic.

Labcorp Genetics (formerly Invitae), Labcorp
Classification: Pathogenic. Last evaluated: 2026-01-12. Review status: criteria provided, single submitter. Criteria: Invitae Variant Classification Sherloc (09022015). Collection method: clinical testing. Allele origin: germline.
Comment: This sequence change creates a premature translational stop signal (p.Val142Glyfs*110) in the WFS1 gene. It is expected to result in an absent or disrupted protein product. Loss-of-function variants in WFS1 are known to be pathogenic (PMID: 12955714). This variant is present in population databases (rs767046229, gnomAD 0.01%). This premature translational stop signal has been observed in individuals with autosomal recessive Wolfram syndrome (PMID: 1161832, 26875006, 32141364). This variant is also known as 425ins16. ClinVar contains an entry for this variant (Variation ID: 4519). For these reasons, this variant has been classified as Pathogenic.

Women's Health and Genetics/Laboratory Corporation of America, LabCorp
Classification: Pathogenic for Wolfram syndrome 1. Last evaluated: 2024-12-31. Review status: criteria provided, single submitter. Criteria: LabCorp Variant Classification Summary - May 2015. Collection method: clinical testing. Allele origin: germline.
Comment: Variant summary: WFS1 c.409_424dup16 (p.Val142GlyfsX110) results in a premature termination codon, predicted to cause a truncation of the encoded protein or absence of the protein due to nonsense mediated decay, which are commonly known mechanisms for disease. The variant allele was found at a frequency of 4.4e-05 in 205180 control chromosomes. c.409_424dup16 has been reported in the literature in multiple individuals affected with Wolfram Syndrome 1 (e.g. Gomez-Zaera_2001). These data indicate that the variant is very likely to be associated with disease. To our knowledge, no experimental evidence demonstrating an impact on protein function has been reported. The following publication have been ascertained in the context of this evaluation (PMID: 11161832).ClinVar contains an entry for this variant (Variation ID: 4519). Based on the evidence outlined above, the variant was classified as pathogenic.

3billion
Classification: Pathogenic for Wolfram syndrome 1. Last evaluated: 2024-06-20. Review status: criteria provided, single submitter. Criteria: ACMG Guidelines, 2015. Collection method: clinical testing. Allele origin: germline. Affected: yes.
Comment: The variant is observed at an extremely low frequency in the gnomAD v4.0.0 dataset (total allele frequency: 0.004%). Predicted Consequence/Location: Frameshift: predicted to result in a loss or disruption of normal protein function through nonsense-mediated decay (NMD) or protein truncation. Multiple pathogenic variants are reported downstream of the variant. The variant has been reported at least twice as pathogenic with clinical assertions and evidence for the classification (ClinVar ID: VCV000004519 /PMID: 11161832). Therefore, this variant is classified as Pathogenic according to the recommendation of ACMG/AMP guideline.

Blueprint Genetics
Classification: Pathogenic for WFS1-related disorders. Last evaluated: 2024-05-29. Review status: criteria provided, single submitter. Criteria: ACMG Guidelines, 2015. Collection method: clinical testing. Allele origin: germline. Affected: yes. Observed: 5 variant alleles.

Institute of Human Genetics, Univ. Regensburg, Univ. Regensburg
Classification: Pathogenic for Retinal dystrophy. Last evaluated: 2023-01-01. Review status: criteria provided, single submitter. Criteria: ACMG Guidelines, 2015. Collection method: clinical testing. Allele origin: germline. Affected: yes.

GeneDx
Classification: Pathogenic. Last evaluated: 2022-12-28. Review status: criteria provided, single submitter. Criteria: GeneDx Variant Classification Process June 2021. Collection method: clinical testing. Allele origin: germline. Affected: yes.
Comment: Frameshift variant predicted to result in protein truncation or nonsense mediated decay in a gene for which loss-of-function is a known mechanism of disease; Identified in 6.53% of individuals with Wolfram syndrome (de Heredia et al., 2013); This variant is associated with the following publications: (PMID: 17568405, 20738327, 34758253, 15605410, 26875006, 32179840, 32141364, 21602428, 12955714, 27395765, 11161832, 15151504, 21446023, 22238590, 15277431, 33841295, 23429432)

Department of Pathology and Laboratory Medicine, Sinai Health System
Classification: Pathogenic for Cataract 41; Type 2 diabetes mellitus; Wolfram syndrome 1; Autosomal dominant nonsyndromic hearing loss 6; Wolfram-like syndrome. Last evaluated: 2022-11-11. Review status: criteria provided, single submitter. Criteria: ACMG Guidelines, 2015. Collection method: research. Allele origin: germline.

Greenwood Genetic Center Diagnostic Laboratories, Greenwood Genetic Center
Classification: Pathogenic for Wolfram syndrome 1. Last evaluated: 2021-10-25. Review status: criteria provided, single submitter. Criteria: ACMG Guidelines, 2015. Collection method: clinical testing. Allele origin: germline. Affected: yes.
Comment: PVS1, PM2, PM3

Breda Genetics srl
Classification: Pathogenic for Wolfram syndrome 1. Last evaluated: 2021-04-30. Review status: criteria provided, single submitter. Criteria: ACMG Guidelines, 2015. Collection method: clinical testing. Allele origin: germline. Inheritance: Autosomal recessive inheritance. Affected: yes. Observed: 1 variant allele, 1 compound heterozygote.
Comment: The variant c.409_424dup (p.Val142Glyfs*110) in the WFS1 gene is reported as pathogenic for Wolfram syndrome 1 and WFS1-related spectrum disorders in ClinVar (Variation ID: 4519), and as pathogenic in the Global Variome shared LOVD database v.3.0. It creates a shift in the reading frame, which is predicted to result in a premature stop codon 110 amino acids downstream and in a truncated protein or protein loss due to nonsense-mediated messenger decay (NMD). The variant is reported with an estimated allele frequency of 0.0000439 in gnomAD exomes, with no homozygous individuals reported. According to the systematic review conducted by De Heredia et al. (2013) about disease-causing mutations in 412 patients with Wolfram syndrome, the c.409_424dup (p.Val142Glyfs*110) is present in about 6.53% of cases (PMID:23429432).

Illumina Laboratory Services, Illumina
Classification: Pathogenic for WFS1-Related Spectrum Disorders. Last evaluated: 2019-01-11. Review status: criteria provided, single submitter. Criteria: ICSL Variant Classification Criteria 09 May 2019. Collection method: clinical testing. Allele origin: germline.
Comment: Across a selection of available literature, the WFS1 c.409_424dupGGCCGTCGCGAGGCTG (p.Val142GlyfsTer110) variant has been identified in in seven individuals with Wolfram syndrome, including in a homozygous state in four individuals from three families and in a compound heterozygous state in three unrelated individuals (Domenech et al. 2004; Chaussenot et al. 2011; Rohayem et al. 2011). A systematic review of disease-causing variants associated with Wolfram syndrome indicated that the p.Val142GlyfsTer110 variant is present in 6.53% of patients and is a common cause of Wolfram syndrome in the Spanish population (de Heredia et al. 2013; Domenech et al. 2004). The variant was absent from 98 control chromosomes and is reported at a frequency of 0.000103 in the Latino population of the Genome Aggregation Database. Based on the collective evidence, the p.Val142GlyfsTer110 variant is classified as pathogenic for WFS1-related spectrum disorders. This variant was observed by ICSL as part of a predisposition screen in an ostensibly healthy population.

Genetic Services Laboratory, University of Chicago
Classification: Pathogenic for Wolfram syndrome. Last evaluated: 2017-03-10. Review status: criteria provided, single submitter. Criteria: ACMG Guidelines, 2015. Collection method: clinical testing. Allele origin: germline. Affected: yes.

Clinical Genomics, Uppaluri K&H Personalized Medicine Clinic
Classification: Likely pathogenic for Wolfram syndrome 1. Review status: criteria provided, single submitter. Criteria: K & H Uppaluri Personalized Medicine Clinic Variant Classification & Assertion Criteria_Updated V.1. Collection method: research. Allele origin: unknown. Inheritance: Autosomal recessive inheritance.
Comment: Mutations in WFS1 gene are associated with Wolfram's syndrome, an autosomal recessive condition, which cause diabetes mellitus, diabetes insipidus, deafness and optic atrophy. rs1362648752 variant is also seen in patients with Diabetes Mellitus. However, the role of this particular variant is yet to be ascertained.

Genomics England Pilot Project, Genomics England
Classification: Pathogenic for Type 2 diabetes mellitus. Review status: criteria provided, single submitter. Criteria: ACGS Guidelines, 2016. Collection method: clinical testing. Allele origin: germline. Affected: yes.

OMIM
Classification: Pathogenic for WOLFRAM SYNDROME 1. Last evaluated: 2004-06-01. Review status: no assertion criteria provided. Collection method: literature only. Allele origin: germline. Not counted in ClinVar's aggregate classification.

Literature cited by the submitters: PubMed 12955714 (cited by Labcorp Genetics (formerly Invitae), Labcorp); PubMed 1161832 (cited by Labcorp Genetics (formerly Invitae), Labcorp); PubMed 26875006 (cited by Labcorp Genetics (formerly Invitae), Labcorp); PubMed 32141364 (cited by Labcorp Genetics (formerly Invitae), Labcorp); PubMed 11161832 (cited by 3 submitters); PubMed 23429432 (cited by Breda Genetics srl and Illumina Laboratory Services, Illumina); PubMed 21446023 (cited by Illumina Laboratory Services, Illumina); PubMed 15151504 (cited by Illumina Laboratory Services, Illumina and OMIM); PubMed 21602428 (cited by Illumina Laboratory Services, Illumina); PubMed 22238590 (cited by Clinical Genomics, Uppaluri K&H Personalized Medicine Clinic).